The following is an entry in ClinVar:

ClinVar aggregate classification (germline): Pathogenic (1 of 4 stars; one submission).

Submission:

Quest Diagnostics Nichols Institute San Juan Capistrano
Classification: Pathogenic. Last evaluated: 2023-07-21. Review status: criteria provided, single submitter. Criteria: ACMG/ClinGen CNV Guidelines, 2019. Collection method: clinical testing. Allele origin: unknown.
Comment: This loss involves multiple protein-coding genes, including BMP2 (OMIM 112261). Heterozygous loss-of-function variants, including deletions, of BMP2 have been associated with short stature, facial dysmorphism, and skeletal anomalies with or without cardiac anomalies-1 (SSFSC1; OMIM 617877; Lalani 2009, Williams 2012). Additionally, family studies on loss-of-function variants of BMP2 have shown segregation with disease (Priestley 2023, Sahoo 2011, Tan 2017, Williams 2012). There are no similar copy number losses of this region in the general populations of the Database of Genomic Variants. Thus, this CNV is classified as pathogenic. References: Lalani et al., J Med Genet. 2009 Mar;46(3):168-75. PMID: 18812404; Priestley et al., Genet Med. 2023 Apr 28;25(8):100863. PMID: 37125634; Sahoo et al., Am J Med Genet A. 2011 Jul;155A(7):1646-53. PMID: 21671386; Tan et al., Am J Hum Genet. 2017 Dec 7;101(6):985-994. PMID: 29198724; Williams et al., Am J Med Genet A. 2012 Oct;158A(10):2616-20. PMID: 22965927

GRCh37/hg19 20p12.3(chr20:6289592-8586513)x1

Genes: BMP2 (bone morphogenetic protein 2; plus strand), HAO1 (hydroxyacid oxidase 1; minus strand), PLCB1 (phospholipase C beta 1; plus strand), TMX4 (thioredoxin related transmembrane protein 4; minus strand). Cytogenetic location: 20p12.3.
Variant type: copy number loss.
Change: copy number 1 (one copy instead of two) of chr20:6,289,592-8,586,513 (2.30 Mb, GRCh37 coordinates, 1-based), cytogenetic band 20p12.3.
Identifiers: ClinVar variation 3391939 (VCV003391939.1).